The following is an entry in ClinVar:

ClinVar aggregate classification (germline): Pathogenic. Review status: criteria provided, multiple submitters, no conflicts (2 of 4 stars). 3 submissions from 3 submitters: Pathogenic (3). Last evaluated 2024-02-02.

Conditions:
Hereditary cancer-predisposing syndrome. Also called: Hereditary neoplastic syndrome; Neoplastic Syndromes, Hereditary; Tumor predisposition; Hereditary Cancer Syndrome. Identifiers: Orphanet 140162, MedGen C0027672, MeSH D009386, MONDO:0015356.
Ataxia-telangiectasia syndrome (AT). Also called: Ataxia telangiectasia (A-T); LOUIS-BAR SYNDROME; Cerebello-oculocutaneous telangiectasia; Immunodeficiency with ataxia telangiectasia; Ataxia-telangiectasia, complementation group D; AT, COMPLEMENTATION GROUP C. Identifiers: Orphanet 100, MedGen C0004135, MONDO:0008840, OMIM 208900.
Familial cancer of breast. Also called: Hereditary breast cancer; hereditary breast carcinoma; BREAST CANCER, FAMILIAL. Identifiers: Orphanet 227535, MedGen C0346153, MONDO:0016419, OMIM 114480. Disease mechanism: loss of function.

Submissions (3):

Myriad Genetics, Inc.
Classification: Pathogenic for Familial cancer of breast. Last evaluated: 2024-02-02. Review status: criteria provided, single submitter. Criteria: Myriad Autosomal Dominant, Autosomal Recessive and X-Linked Classification Criteria (2023). Collection method: clinical testing. Allele origin: unknown.
Comment: This variant is considered pathogenic. This variant creates a frameshift predicted to result in premature protein truncation.

Labcorp Genetics (formerly Invitae), Labcorp
Classification: Pathogenic for Ataxia-telangiectasia syndrome. Last evaluated: 2022-09-21. Review status: criteria provided, single submitter. Criteria: Invitae Variant Classification Sherloc (09022015). Collection method: clinical testing. Allele origin: germline.
Comment: This sequence change creates a premature translational stop signal (p.Ile2844Serfs*12) in the ATM gene. It is expected to result in an absent or disrupted protein product. Loss-of-function variants in ATM are known to be pathogenic (PMID: 23807571, 25614872). This variant is not present in population databases (gnomAD no frequency). For these reasons, this variant has been classified as Pathogenic. This variant has not been reported in the literature in individuals affected with ATM-related conditions.

Ambry Genetics
Classification: Pathogenic for Hereditary cancer-predisposing syndrome. Last evaluated: 2021-09-27. Review status: criteria provided, single submitter. Criteria: Ambry Variant Classification Scheme 2023. Collection method: clinical testing. Allele origin: germline.
Comment: The c.8531_8534delTTTG pathogenic mutation, located in coding exon 57 of the ATM gene, results from a deletion of 4 nucleotides at nucleotide positions 8531 to 8534, causing a translational frameshift with a predicted alternate stop codon (p.I2844Sfs*12). This variant is considered to be rare based on population cohorts in the Genome Aggregation Database (gnomAD). This alteration is expected to result in loss of function by premature protein truncation or nonsense-mediated mRNA decay. As such, this alteration is interpreted as a disease-causing mutation.

Literature cited by the submitters: PubMed 23807571 (cited by Labcorp Genetics (formerly Invitae), Labcorp); PubMed 25614872 (cited by Labcorp Genetics (formerly Invitae), Labcorp).

NM_000051.4(ATM):c.8531_8534del (p.Ile2844fs)

Genes: ATM (ATM serine/threonine kinase; plus strand), C11orf65 (chromosome 11 open reading frame 65; minus strand). Cytogenetic location: 11q22.3.
Variant type: Deletion.
Coding change: c.8531_8534del on transcript NM_000051.4 (MANE Select); coding-DNA positions 8531 to 8534, 4 bases deleted (TTTG; older notation c.8531_8534delTTTG).
Protein change: p.Ile2844fs; shifts the reading frame from isoleucine 2844.
Molecular consequence: frameshift variant. On other transcripts: intron variant (2).
Genome position (GRCh38, 1-based): chr11:108,345,855-108,345,858, TTTG deleted. VCF-style (leftmost placement, unchanged base first): chr11-108345854-ATTTG-A. GRCh37 (hg19) VCF-style: chr11-108216581-ATTTG-A.
Other names: c.8531_8534del, p.Ile2844fs (NM_001351834.2); c.641-36787_641-36784del (NM_001330368.2); c.695-10566_695-10563del (NM_001351110.2); short protein forms I2844fs.
Identifiers: ClinVar variation 1763769 (VCV001763769.7), dbSNP rs2547445169, ClinGen allele CA2580083434.